The following is an entry in ClinVar:

ClinVar aggregate classification (germline): Uncertain significance (1 of 4 stars; one submission).

Conditions:
APP-related disorder. Also called: APP-related condition.

Allele frequency attached by ClinVar (database versions not stated): TOPMed below 0.00001.

Submission:

PreventionGenetics, part of Exact Sciences
Classification: Uncertain significance for APP-related condition. Last evaluated: 2023-02-14. Review status: criteria provided, single submitter. Criteria: ACMG Guidelines, 2015. Collection method: clinical testing. Allele origin: germline.
Comment: The APP c.187A>G variant is predicted to result in the amino acid substitution p.Ile63Val. To our knowledge, this variant has not been reported in the literature. This variant is reported in 0.00088% of alleles in individuals of European (Non-Finnish) descent in gnomAD. At this time, the clinical significance of this variant is uncertain due to the absence of conclusive functional and genetic evidence.

NM_000484.4(APP):c.187A>G (p.Ile63Val)

Gene: APP (amyloid beta precursor protein; minus strand). Cytogenetic location: 21q21.3.
Variant type: single nucleotide variant.
Coding change: c.187A>G on transcript NM_000484.4 (MANE Select); coding-DNA position 187, A replaced by G.
Protein change: p.Ile63Val; replaces isoleucine 63 with valine.
Molecular consequence: missense variant. On other transcripts: intron variant (2).
Genome position (GRCh38, 1-based): chr21:26,112,017, T>C on the plus strand (A>G on the coding strand, the complement: APP is on the minus strand). VCF-style: chr21-26112017-T-C. GRCh37 (hg19) VCF-style: chr21-27484334-T-C.
Other names: c.172A>G, p.Ile58Val (NM_001136016.3); c.82A>G, p.Ile28Val (NM_001136131.3); c.187A>G, p.Ile63Val (NM_001204301.2, NM_001204302.2, NM_001204303.2 and 3 more transcripts); c.58-21945A>G (NM_001136129.3, NM_001136130.3); short protein forms I28V, I58V, I63V.
Identifiers: ClinVar variation 2630138 (VCV002630138.1), dbSNP rs779329120, ClinGen allele CA319565274.